The following is an entry in ClinVar:

NM_024426.6(WT1):c.471C>T (p.His157=)

Genes: WT1 (WT1 transcription factor; minus strand), LOC107982234 (WT1/WT1-AS bi-directional promoter region; plus strand). Cytogenetic location: 11p13.
Variant type: single nucleotide variant.
Coding change: c.471C>T on transcript NM_024426.6 (MANE Select); coding-DNA position 471, C replaced by T.
Protein change: p.His157=; no amino-acid change (histidine 157 retained).
Molecular consequence: synonymous variant. On other transcripts: non-coding transcript variant (1).
Genome position (GRCh38, 1-based): chr11:32,434,890, G>A on the plus strand (C>T on the coding strand, the complement: WT1 is on the minus strand). VCF-style: chr11-32434890-G-A. GRCh37 (hg19) VCF-style: chr11-32456436-G-A.
Other names: c.471C>T, p.His157= (NM_000378.6, NM_024424.5); c.456C>T (NM_024426.4).
Identifiers: ClinVar variation 1095994 (VCV001095994.11), dbSNP rs753238865, ClinGen allele CA064961.

ClinVar aggregate classification (germline): Likely benign. Review status: criteria provided, multiple submitters, no conflicts (2 of 4 stars). 3 submissions from 3 submitters: Likely benign (3). Last evaluated 2026-02-21.

Conditions:
Inborn genetic diseases. Identifiers: MedGen C0950123, MeSH D030342.
Frasier syndrome. Identifiers: Orphanet 347, MedGen C0950122, MeSH D052159, MONDO:0007635, OMIM 136680.
Drash syndrome (DDS). Also called: NEPHROPATHY, WILMS TUMOR, AND GENITAL ANOMALIES; WILMS TUMOR AND PSEUDO- OR TRUE HERMAPHRODITISM. Identifiers: Orphanet 220, MedGen C0950121, MONDO:0008682, OMIM 194080.
Wilms tumor 1 (WT1). Also called: Wilms tumor, somatic. Identifiers: Orphanet 654, MedGen CN033288, MONDO:0008679, OMIM 194070.
11p partial monosomy syndrome (WAGR). Also called: CHROMOSOME 11p13 DELETION SYNDROME; WAGR Spectrum Disorder; WAGR syndrome; WAGR Complex. Identifiers: Orphanet 893, MedGen C0206115, MONDO:0008681, OMIM 194072.

Allele frequency attached by ClinVar (database versions not stated): ExAC 0.00001; TOPMed 0.00002.
gnomAD v4.1: 1 of 1,611,928 alleles (0.000062%); highest among the groups gnomAD compares: Non-Finnish European, 0.000085%; no homozygotes.

Submissions (3):

Ambry Genetics
Classification: Likely benign for Inborn genetic diseases. Last evaluated: 2026-02-21. Review status: criteria provided, single submitter. Criteria: Ambry Variant Classification Scheme 2023. Collection method: clinical testing. Allele origin: germline.

Labcorp Genetics (formerly Invitae), Labcorp
Classification: Likely benign for Wilms tumor 1; Drash syndrome; 11p partial monosomy syndrome; Frasier syndrome. Last evaluated: 2025-07-02. Review status: criteria provided, single submitter. Criteria: Invitae Variant Classification Sherloc (09022015). Collection method: clinical testing. Allele origin: germline.

All of Us Research Program, National Institutes of Health
Classification: Likely benign for Wilms tumor 1. Last evaluated: 2023-11-20. Review status: criteria provided, single submitter. Criteria: ACMG Guidelines, 2015. Collection method: clinical testing. Allele origin: germline. Inheritance: Autosomal dominant inheritance. Observed: 1 variant allele, 1 heterozygote.
Comment: This study involves interpretation of variants in research participants for the purpose of population health screening. Participant phenotype was not available at the time of variant classification. Additional details can be found in publication PMID: 35346344, PMCID: PMC8962531